The following is an entry in ClinVar:

ClinVar aggregate classification (germline): Uncertain significance. Review status: criteria provided, multiple submitters, no conflicts (2 of 4 stars). 3 submissions from 3 submitters: Uncertain significance (3). Last evaluated 2025-10-16.

Conditions:
Macrothrombocytopenia and granulocyte inclusions with or without nephritis or sensorineural hearing loss (MATINS). Also called: MYH9-Related Disease (MYH9-RD); BLEEDING DISORDER, PLATELET-TYPE, 6; MAY-HEGGLIN ANOMALY; SEBASTIAN PLATELET SYNDROME; MACROTHROMBOCYTOPENIA WITH DISPERSED LEUKOCYTIC INCLUSIONS; MACROTHROMBOCYTOPENIA, NEPHRITIS, AND DEAFNESS. Identifiers: Orphanet 182050, MedGen C5200934, MONDO:0015912, OMIM 155100.
Hereditary cancer-predisposing syndrome. Also called: Hereditary Cancer Syndrome; Neoplastic Syndromes, Hereditary; Tumor predisposition; Hereditary neoplastic syndrome. Identifiers: Orphanet 140162, MedGen C0027672, MeSH D009386, MONDO:0015356.
Neurofibromatosis, type 1 (NF1). Also called: Neurofibromatosis, type I; VON RECKLINGHAUSEN DISEASE; NEUROFIBROMATOSIS, TYPE I, SOMATIC; Peripheral type neurofibromatosis. Identifiers: Orphanet 636, MedGen C0027831, MONDO:0018975, OMIM 162200. Disease mechanism: loss of function.

gnomAD v4.1: 2 of 1,614,188 alleles (0.00012%); highest among the groups gnomAD compares: South Asian, 0.0022%; no homozygotes.

Submissions (3):

Labcorp Genetics (formerly Invitae), Labcorp
Classification: Uncertain significance for Neurofibromatosis, type 1. Last evaluated: 2025-10-16. Review status: criteria provided, single submitter. Criteria: Invitae Variant Classification Sherloc (09022015). Collection method: clinical testing. Allele origin: germline.
Comment: This sequence change replaces valine, which is neutral and non-polar, with isoleucine, which is neutral and non-polar, at codon 1756 of the NF1 protein (p.Val1756Ile). This variant is not present in population databases (gnomAD no frequency). This variant has not been reported in the literature in individuals affected with NF1-related conditions. ClinVar contains an entry for this variant (Variation ID: 230432). Invitae Evidence Modeling of protein sequence and biophysical properties (such as structural, functional, and spatial information, amino acid conservation, physicochemical variation, residue mobility, and thermodynamic stability) has been performed for this missense variant. However, the output from this modeling did not meet the statistical confidence thresholds required to predict the impact of this variant on NF1 protein function. In summary, the available evidence is currently insufficient to determine the role of this variant in disease. Therefore, it has been classified as a Variant of Uncertain Significance.

Johns Hopkins Genomics, Johns Hopkins University
Classification: Uncertain significance for Macrothrombocytopenia and granulocyte inclusions with or without nephritis or sensorineural hearing loss. Last evaluated: 2025-06-11. Review status: criteria provided, single submitter. Criteria: ACMG Guidelines, 2015. Collection method: clinical testing. Allele origin: germline.
Comment: This NF1 missense variant (rs876658562) is rare (<0.1%) in a large population dataset (gnomADv4.1.0: 2/1614188 total alleles; 0.00012%; no homozygotes) and has been reported in ClinVar (Variation ID: 230432). It has not been reported in the literature in individuals diagnosed with neurofibromatosis, to our knowledge. Three bioinformatics tools queried predict that this substitution would be tolerated and the valine residue at this position is evolutionarily conserved across all of the species assessed. We consider the clinical significance of NF1 c.5329G>A to be uncertain at this time.

Ambry Genetics
Classification: Uncertain significance for Hereditary cancer-predisposing syndrome. Last evaluated: 2015-02-05. Review status: criteria provided, single submitter. Criteria: Ambry Autosomal Dominant and X-Linked criteria (10/2015). Collection method: clinical testing. Allele origin: germline. Observed: 1 variant allele.
Comment: The p.V1777I variant (also known as c.5329G>A or c.5266G>A or p.V1756I), located in coding exon 38 of the NF1 gene, results from a G to A substitution at nucleotide position 5329. The valine at codon 1777 is replaced by isoleucine, an amino acid with highly similar properties. This variant was not reported in population based cohorts in the following databases: Database of Single Nucleotide Polymorphisms (dbSNP), NHLBI Exome Sequencing Project (ESP), and 1000 Genomes Project. In the ESP, this variant was not observed in 6503 samples (13006 alleles) with coverage at this position. To date, this alteration has been detected with an allele frequency of approximately 0.003% (greater than 30000alleles tested) in our clinical cohort.This amino acid position is highly conserved in available vertebrate species. In addition, the in silico prediction for this alteration is inconclusive.Since supporting evidence is limited at this time, the clinical significance of p.V1777Iremains unclear.

Literature cited by the submitters: PubMed 16870664 (cited by Johns Hopkins Genomics, Johns Hopkins University); PubMed 33121128 (cited by Johns Hopkins Genomics, Johns Hopkins University).

NM_001042492.3(NF1):c.5329G>A (p.Val1777Ile)

Gene: NF1 (neurofibromin 1; plus strand). Cytogenetic location: 17q11.2.
Variant type: single nucleotide variant.
Coding change: c.5329G>A on transcript NM_001042492.3 (MANE Select); coding-DNA position 5329, G replaced by A.
Protein change: p.Val1777Ile; replaces valine 1777 with isoleucine.
Molecular consequence: missense variant.
Genome position (GRCh38, 1-based): chr17:31,327,559, G>A. VCF-style: chr17-31327559-G-A. GRCh37 (hg19) VCF-style: chr17-29654577-G-A.
Other names: c.5266G>A, p.Val1756Ile (NM_000267.4); short protein forms V1756I, V1777I.
Identifiers: ClinVar variation 230432 (VCV000230432.9), dbSNP rs876658562, ClinGen allele CA10580347.